The following is an entry in ClinVar:

ClinVar aggregate classification (germline): Likely benign. Review status: criteria provided, multiple submitters, no conflicts (2 of 4 stars). 6 submissions from 6 submitters: Likely benign (5). 1 of the submissions does not count toward it. Last evaluated 2026-08-01.

Conditions:
Cobalamin C disease. Also called: Cobalamin-C methylmalonic acidemia and homocystinuria; Methylmalonic acidemia and homocystinuria cblC type; Methylmalonic aciduria with homocystinuria cblC type; methylmalonic aciduria and homocystinuria type cblC; Methylmalonic aciduria and homocystinuria, Vitamin B12-responsive; Vitamin B12 metabolic defect with combined deficiency of methylmalonyl-CoA mutase and homocysteine:methyltetrahydrofolate methyltransferase. Identifiers: Orphanet 26, Orphanet 79282, MedGen C1848561, MONDO:0010184, OMIM 277400.

Allele frequency attached by ClinVar (database versions not stated): gnomAD exomes 0.00005 and 0.00006; TOPMed 0.00008; gnomAD 0.00011; ExAC 0.00012.

Submissions (6):

CeGaT Center for Human Genetics Tuebingen
Classification: Likely benign. Last evaluated: 2026-08-01. Review status: criteria provided, single submitter. Criteria: CeGaT Center For Human Genetics Tuebingen Variant Classification Criteria Version 2. Collection method: clinical testing. Allele origin: germline. Affected: yes. Observed: 3 variant alleles.
Comment: MMACHC: BP4, BP7

Labcorp Genetics (formerly Invitae), Labcorp
Classification: Likely benign for Cobalamin C disease. Last evaluated: 2025-12-03. Review status: criteria provided, single submitter. Criteria: Invitae Variant Classification Sherloc (09022015). Collection method: clinical testing. Allele origin: germline.

Genome-Nilou Lab
Classification: Likely benign for Cobalamin C disease. Last evaluated: 2023-04-11. Review status: criteria provided, single submitter. Criteria: ACMG Guidelines, 2015. Collection method: clinical testing. Allele origin: germline. Affected: no.

Blueprint Genetics
Classification: Likely benign. Last evaluated: 2022-10-19. Review status: criteria provided, single submitter. Criteria: ACMG Guidelines, 2015. Collection method: clinical testing. Allele origin: germline.

Fulgent Genetics
Classification: Likely benign for Cobalamin C disease. Last evaluated: 2022-01-25. Review status: criteria provided, single submitter. Criteria: ACMG Guidelines, 2015. Collection method: clinical testing. Allele origin: unknown.

Natera, Inc.
Classification: Likely benign for Methylmalonic aciduria and homocystinuria cblC type. Last evaluated: 2021-05-04. Review status: no assertion criteria provided. Collection method: clinical testing. Allele origin: germline. Not counted in ClinVar's aggregate classification.

NM_015506.3(MMACHC):c.783G>A (p.Gly261=)

Gene: MMACHC (metabolism of cobalamin associated C; plus strand). Cytogenetic location: 1p34.1.
Variant type: single nucleotide variant.
Coding change: c.783G>A on transcript NM_015506.3 (MANE Select); coding-DNA position 783, G replaced by A.
Protein change: p.Gly261=; no amino-acid change (glycine 261 retained).
Molecular consequence: synonymous variant.
Genome position (GRCh38, 1-based): chr1:45,509,149, G>A. VCF-style: chr1-45509149-G-A. GRCh37 (hg19) VCF-style: chr1-45974821-G-A.
Other names: c.612G>A, p.Gly204= (NM_001330540.2).
Identifiers: ClinVar variation 747528 (VCV000747528.48), dbSNP rs776623221, ClinGen allele CA827860.